The following is an entry in ClinVar:

ClinVar aggregate classification (germline): Conflicting classifications of pathogenicity. Review status: criteria provided, conflicting classifications (1 of 4 stars). 4 submissions from 4 submitters: Uncertain significance (2); Likely benign (1). 1 of the submissions does not count toward it. Last evaluated 2026-01-05.

Conditions:
MAGEL2-related disorder. Also called: MAGEL2-related condition.
Inborn genetic diseases. Identifiers: MedGen C0950123, MeSH D030342.
Schaaf-Yang syndrome (SHFYNG). Also called: MAGEL2-related Prader-Willi-like syndrome; Arthrogryposis, distal, with hypopituitarism, intellectual disability, and facial anomalies. Identifiers: Orphanet 398069, MedGen C5575066, MONDO:0014243, OMIM 615547.

Allele frequency attached by ClinVar (database versions not stated): TOPMed 0.00006.

Submissions (4):

Labcorp Genetics (formerly Invitae), Labcorp
Classification: Uncertain significance. Last evaluated: 2026-01-05. Review status: criteria provided, single submitter. Criteria: Invitae Variant Classification Sherloc (09022015). Collection method: clinical testing. Allele origin: germline.
Comment: This sequence change replaces proline, which is neutral and non-polar, with histidine, which is basic and polar, at codon 940 of the MAGEL2 protein (p.Pro940His). This variant is present in population databases (rs769378200, gnomAD 0.03%). This variant has not been reported in the literature in individuals affected with MAGEL2-related conditions. ClinVar contains an entry for this variant (Variation ID: 992717). Invitae Evidence Modeling of protein sequence and biophysical properties (such as structural, functional, and spatial information, amino acid conservation, physicochemical variation, residue mobility, and thermodynamic stability) indicates that this missense variant is not expected to disrupt MAGEL2 protein function with a negative predictive value of 80%. In summary, the available evidence is currently insufficient to determine the role of this variant in disease. Therefore, it has been classified as a Variant of Uncertain Significance.

Ambry Genetics
Classification: Likely benign for Inborn genetic diseases. Last evaluated: 2025-09-22. Review status: criteria provided, single submitter. Criteria: Ambry Variant Classification Scheme 2023. Collection method: clinical testing. Allele origin: germline.

New York Genome Center
Classification: Uncertain significance for Schaaf-Yang syndrome. Last evaluated: 2019-07-22. Review status: criteria provided, single submitter. Criteria: NYGC Assertion Criteria 2020. Collection method: clinical testing. Allele origin: inherited. Observed: 1 heterozygote. Study: CSER-NYCKidSeq.

PreventionGenetics, part of Exact Sciences
Classification: Uncertain significance for MAGEL2-related condition. Last evaluated: 2024-08-13. Review status: no assertion criteria provided. Collection method: clinical testing. Allele origin: germline. Not counted in ClinVar's aggregate classification.
Comment: The MAGEL2 c.2819C>A variant is predicted to result in the amino acid substitution p.Pro940His. To our knowledge, this variant has not been reported in the literature. This variant is reported in 0.033% of alleles in individuals of African descent in gnomAD. Although we suspect this variant may be benign, at this time, the clinical significance of this variant is uncertain due to the absence of conclusive functional and genetic evidence.

NM_019066.5(MAGEL2):c.2819C>A (p.Pro940His)

Gene: MAGEL2 (MAGE family member L2; minus strand). Cytogenetic location: 15q11.2.
Variant type: single nucleotide variant.
Coding change: c.2819C>A on transcript NM_019066.5 (MANE Select); coding-DNA position 2819, C replaced by A.
Protein change: p.Pro940His; replaces proline 940 with histidine.
Molecular consequence: missense variant.
Genome position (GRCh38, 1-based): chr15:23,644,924, G>T on the plus strand (C>A on the coding strand, the complement: MAGEL2 is on the minus strand). VCF-style: chr15-23644924-G-T. GRCh37 (hg19) VCF-style: chr15-23890071-G-T.
Other names: short protein forms P940H.
Identifiers: ClinVar variation 992717 (VCV000992717.7), dbSNP rs769378200, ClinGen allele CA7429812.